The following is an entry in ClinVar:

NM_017819.4(TRMT10C):c.205A>G (p.Thr69Ala)

Gene: TRMT10C (tRNA methyltransferase 10C, mitochondrial RNase P subunit; plus strand). Cytogenetic location: 3q12.3.
Variant type: single nucleotide variant.
Coding change: c.205A>G on transcript NM_017819.4 (MANE Select); coding-DNA position 205, A replaced by G.
Protein change: p.Thr69Ala; replaces threonine 69 with alanine.
Molecular consequence: missense variant.
Genome position (GRCh38, 1-based): chr3:101,564,986, A>G. VCF-style: chr3-101564986-A-G. GRCh37 (hg19) VCF-style: chr3-101283830-A-G.
Other names: short protein forms T69A.
Identifiers: ClinVar variation 4704020 (VCV004704020.1).

ClinVar aggregate classification (germline): Uncertain significance (1 of 4 stars; one submission).

gnomAD v4.1: 18 of 1,613,722 alleles (0.0011%); highest among the groups gnomAD compares: South Asian, 0.018%; no homozygotes.

Submission:

Labcorp Genetics (formerly Invitae), Labcorp
Classification: Uncertain significance. Last evaluated: 2025-11-02. Review status: criteria provided, single submitter. Criteria: Invitae Variant Classification Sherloc (09022015). Collection method: clinical testing. Allele origin: germline.
Comment: This sequence change replaces threonine, which is neutral and polar, with alanine, which is neutral and non-polar, at codon 69 of the TRMT10C protein (p.Thr69Ala). This variant is present in population databases (rs766998297, gnomAD 0.006%). This variant has not been reported in the literature in individuals affected with TRMT10C-related conditions. An algorithm developed to predict the effect of missense changes on protein structure and function (PolyPhen-2) suggests that this variant is likely to be tolerated. In summary, the available evidence is currently insufficient to determine the role of this variant in disease. Therefore, it has been classified as a Variant of Uncertain Significance.